The following is an entry in ClinVar:

ClinVar aggregate classification (germline): Uncertain significance (1 of 4 stars; one submission).

Submission:

Labcorp Genetics (formerly Invitae), Labcorp
Classification: Uncertain significance. Last evaluated: 2023-04-15. Review status: criteria provided, single submitter. Criteria: Invitae Variant Classification Sherloc (09022015). Collection method: clinical testing. Allele origin: germline.
Comment: This sequence change falls in intron 8 of the KCNH1 gene. It does not directly change the encoded amino acid sequence of the KCNH1 protein. It affects a nucleotide within the consensus splice site. This variant is not present in population databases (gnomAD no frequency). This variant has not been reported in the literature in individuals affected with KCNH1-related conditions. Variants that disrupt the consensus splice site are a relatively common cause of aberrant splicing (PMID: 17576681, 9536098). Algorithms developed to predict the effect of sequence changes on RNA splicing suggest that this variant may create or strengthen a splice site. In summary, the available evidence is currently insufficient to determine the role of this variant in disease. Therefore, it has been classified as a Variant of Uncertain Significance.

Literature cited by the submitters: PubMed 17576681; PubMed 9536098.

NM_172362.3(KCNH1):c.1662+5G>A

Gene: KCNH1 (potassium voltage-gated channel subfamily H member 1; minus strand). Cytogenetic location: 1q32.2.
Variant type: single nucleotide variant.
Coding change: c.1662+5G>A on transcript NM_172362.3 (MANE Select); 5 bases into the intron after coding-DNA position 1662, G replaced by A.
Molecular consequence: intron variant.
Genome position (GRCh38, 1-based): chr1:210,803,962, C>T on the plus strand (G>A on the coding strand, the complement: KCNH1 is on the minus strand). VCF-style: chr1-210803962-C-T. GRCh37 (hg19) VCF-style: chr1-210977304-C-T.
Other names: c.1581+5G>A (NM_002238.4).
Identifiers: ClinVar variation 2856695 (VCV002856695.3), dbSNP rs2526826107, ClinGen allele CA2739275614.